The following is an entry in ClinVar:

NM_000038.6(APC):c.4514G>T (p.Ser1505Ile)

Gene: APC (APC regulator of Wnt signaling pathway; plus strand). Cytogenetic location: 5q22.2.
Variant type: single nucleotide variant.
Coding change: c.4514G>T on transcript NM_000038.6 (MANE Select); coding-DNA position 4514, G replaced by T.
Protein change: p.Ser1505Ile; replaces serine 1505 with isoleucine.
Molecular consequence: missense variant. On other transcripts: non-coding transcript variant (2).
Genome position (GRCh38, 1-based): chr5:112,840,108, G>T. VCF-style: chr5-112840108-G-T. GRCh37 (hg19) VCF-style: chr5-112175805-G-T.
Other names: c.4514G>T, p.Ser1505Ile (NM_001127510.3, NM_001354895.2, NM_001407450.1); c.4460G>T, p.Ser1487Ile (NM_001127511.3); c.4568G>T, p.Ser1523Ile (NM_001354896.2, NM_001407447.1, NM_001407448.1 and 1 more transcripts); c.4544G>T, p.Ser1515Ile (NM_001354897.2); c.4439G>T, p.Ser1480Ile (NM_001354898.2); c.4430G>T, p.Ser1477Ile (NM_001354899.2); c.4391G>T, p.Ser1464Ile (NM_001354900.2); c.4337G>T, p.Ser1446Ile (NM_001354901.2, NM_001407453.1); and 11 more; short protein forms S1345I, S1376I, S1404I, S1523I, S1422I, S1495I, S1498I, S1505I.
Identifiers: ClinVar variation 4122056 (VCV004122056.2).

ClinVar aggregate classification (germline): Uncertain significance (1 of 4 stars; one submission).

Conditions:
Hereditary cancer-predisposing syndrome. Also called: Neoplastic Syndromes, Hereditary; Tumor predisposition; Hereditary Cancer Syndrome; Hereditary neoplastic syndrome. Identifiers: Orphanet 140162, MedGen C0027672, MeSH D009386, MONDO:0015356.

gnomAD v4.1: 1 of 1,614,102 alleles (0.000062%); highest among the groups gnomAD compares: Non-Finnish European, 0.000085%; no homozygotes.

Submission:

Ambry Genetics
Classification: Uncertain significance for Hereditary cancer-predisposing syndrome. Last evaluated: 2026-07-13. Review status: criteria provided, single submitter. Criteria: Ambry Variant Classification Scheme 2023. Collection method: clinical testing. Allele origin: germline.
Comment: The p.S1505I variant (also known as c.4514G>T), located in coding exon 15 of the APC gene, results from a G to T substitution at nucleotide position 4514. The serine at codon 1505 is replaced by isoleucine, an amino acid with dissimilar properties. This amino acid position is conserved. In addition, in silico predictors for this gene do not accurately predict pathogenicity. Based on the available evidence, the clinical significance of this variant remains unclear.